The following is an entry in ClinVar:

ClinVar aggregate classification (germline): Uncertain significance. Review status: criteria provided, multiple submitters, no conflicts (2 of 4 stars). 2 submissions from 2 submitters: Uncertain significance (2). Last evaluated 2025-03-01.

Conditions:
Inborn genetic diseases. Identifiers: MedGen C0950123, MeSH D030342.

Allele frequency attached by ClinVar (database versions not stated): gnomAD exomes below 0.00001.
gnomAD v4.1: 1 of 1,613,268 alleles (0.000062%); highest among the groups gnomAD compares: Non-Finnish European, 0.000085%; no homozygotes.

Submissions (2):

Ambry Genetics
Classification: Uncertain significance for Inborn genetic diseases. Last evaluated: 2025-03-01. Review status: criteria provided, single submitter. Criteria: Ambry Variant Classification Scheme 2023. Collection method: clinical testing. Allele origin: germline.

GeneDx
Classification: Uncertain significance. Last evaluated: 2023-01-31. Review status: criteria provided, single submitter. Criteria: GeneDx Variant Classification Process June 2021. Collection method: clinical testing. Allele origin: germline. Affected: yes.
Comment: Not observed at significant frequency in large population cohorts (gnomAD); In silico analysis supports that this missense variant has a deleterious effect on protein structure/function; Has not been previously published as pathogenic or benign to our knowledge

NM_014491.4(FOXP2):c.2135A>C (p.Glu712Ala)

Gene: FOXP2 (forkhead box P2; plus strand). Cytogenetic location: 7q31.1.
Variant type: single nucleotide variant.
Coding change: c.2135A>C on transcript NM_014491.4 (MANE Select); coding-DNA position 2135, A replaced by C.
Protein change: p.Glu712Ala; replaces glutamic acid 712 with alanine.
Molecular consequence: missense variant. On other transcripts: non-coding transcript variant (2).
Genome position (GRCh38, 1-based): chr7:114,689,913, A>C. VCF-style: chr7-114689913-A-C. GRCh37 (hg19) VCF-style: chr7-114329968-A-C.
Other names: c.2132A>C, p.Glu711Ala (NM_001172766.3); c.2210A>C, p.Glu737Ala (NM_148898.4); c.2186A>C, p.Glu729Ala (NM_148900.4); short protein forms E711A, E712A, E729A, E737A.
Identifiers: ClinVar variation 2575757 (VCV002575757.2), dbSNP rs2485599538, ClinGen allele CA369106459.